The following is an entry in ClinVar:

NM_001852.4(COL9A2):c.1013T>C (p.Val338Ala)

Gene: COL9A2 (collagen type IX alpha 2 chain; minus strand). Cytogenetic location: 1p34.2.
Variant type: single nucleotide variant.
Coding change: c.1013T>C on transcript NM_001852.4 (MANE Select); coding-DNA position 1013, T replaced by C.
Protein change: p.Val338Ala; replaces valine 338 with alanine.
Molecular consequence: missense variant.
Genome position (GRCh38, 1-based): chr1:40,306,183, A>G on the plus strand (T>C on the coding strand, the complement: COL9A2 is on the minus strand). VCF-style: chr1-40306183-A-G. GRCh37 (hg19) VCF-style: chr1-40771855-A-G.
Other names: c.1013T>C (NM_001852.3); short protein forms V338A.
Identifiers: ClinVar variation 1991377 (VCV001991377.6), dbSNP rs751909501, ClinGen allele CA21041539.

ClinVar aggregate classification (germline): Uncertain significance. Review status: criteria provided, multiple submitters, no conflicts (2 of 4 stars). 3 submissions from 3 submitters: Uncertain significance (3). Last evaluated 2026-06-25.

Conditions:
COL9A2-related disorder. Also called: COL9A2-related condition.
Inborn genetic diseases. Identifiers: MedGen C0950123, MeSH D030342.

Allele frequency attached by ClinVar (database versions not stated): gnomAD 0.00005; TOPMed 0.00005; gnomAD exomes 0.00007.
gnomAD v4.1: 113 of 1,614,002 alleles (0.007%); highest among the groups gnomAD compares: Non-Finnish European, 0.0091%; no homozygotes.

Submissions (3):

PreventionGenetics, part of Exact Sciences
Classification: Uncertain significance for COL9A2-related condition. Last evaluated: 2026-06-25. Review status: criteria provided, single submitter. Criteria: ACMG Guidelines, 2015. Collection method: clinical testing. Allele origin: germline.
Comment: The COL9A2 c.1013T>C variant is predicted to result in the amino acid substitution p.Val338Ala. This variant was reported in an individual with adolescent idiopathic scoliosis (Table S4, Haller et al. 2016. PubMed ID: 26566670). This variant is reported in 0.0053% of alleles in individuals of European (Non-Finnish) descent in gnomAD. At this time, the clinical significance of this variant is uncertain due to the absence of conclusive functional and genetic evidence.

Labcorp Genetics (formerly Invitae), Labcorp
Classification: Uncertain significance. Last evaluated: 2026-01-16. Review status: criteria provided, single submitter. Criteria: Invitae Variant Classification Sherloc (09022015). Collection method: clinical testing. Allele origin: germline.
Comment: This sequence change replaces valine, which is neutral and non-polar, with alanine, which is neutral and non-polar, at codon 338 of the COL9A2 protein (p.Val338Ala). This variant is present in population databases (rs751909501, gnomAD 0.005%). This missense change has been observed in individual(s) with COL9A2-related conditions (PMID: 26566670). ClinVar contains an entry for this variant (Variation ID: 1991377). Invitae Evidence Modeling of protein sequence and biophysical properties (such as structural, functional, and spatial information, amino acid conservation, physicochemical variation, residue mobility, and thermodynamic stability) indicates that this missense variant is not expected to disrupt COL9A2 protein function with a negative predictive value of 95%. In summary, the available evidence is currently insufficient to determine the role of this variant in disease. Therefore, it has been classified as a Variant of Uncertain Significance.

Ambry Genetics
Classification: Uncertain significance for Inborn genetic diseases. Last evaluated: 2024-04-22. Review status: criteria provided, single submitter. Criteria: Ambry Variant Classification Scheme 2023. Collection method: clinical testing. Allele origin: germline.

Literature cited by the submitters: PubMed 26566670 (cited by Labcorp Genetics (formerly Invitae), Labcorp).